The following is an entry in ClinVar:

NM_006015.6(ARID1A):c.3796C>G (p.Pro1266Ala)

Gene: ARID1A (AT-rich interaction domain 1A; plus strand). Cytogenetic location: 1p36.11.
Variant type: single nucleotide variant.
Coding change: c.3796C>G on transcript NM_006015.6 (MANE Select); coding-DNA position 3796, C replaced by G.
Protein change: p.Pro1266Ala; replaces proline 1266 with alanine.
Molecular consequence: missense variant.
Genome position (GRCh38, 1-based): chr1:26,773,426, C>G. VCF-style: chr1-26773426-C-G. GRCh37 (hg19) VCF-style: chr1-27099917-C-G.
Other names: c.3796C>G, p.Pro1266Ala (NM_139135.4); short protein forms P1266A.
Identifiers: ClinVar variation 4764668 (VCV004764668.1).

ClinVar aggregate classification (germline): Uncertain significance (1 of 4 stars; one submission).

Submission:

Labcorp Genetics (formerly Invitae), Labcorp
Classification: Uncertain significance. Last evaluated: 2025-11-08. Review status: criteria provided, single submitter. Criteria: Invitae Variant Classification Sherloc (09022015). Collection method: clinical testing. Allele origin: germline.
Comment: This sequence change replaces proline, which is neutral and non-polar, with alanine, which is neutral and non-polar, at codon 1266 of the ARID1A protein (p.Pro1266Ala). This variant is not present in population databases (gnomAD no frequency). This variant has not been reported in the literature in individuals affected with ARID1A-related conditions. Invitae Evidence Modeling of protein sequence and biophysical properties (such as structural, functional, and spatial information, amino acid conservation, physicochemical variation, residue mobility, and thermodynamic stability) indicates that this missense variant is not expected to disrupt ARID1A protein function with a negative predictive value of 80%. In summary, the available evidence is currently insufficient to determine the role of this variant in disease. Therefore, it has been classified as a Variant of Uncertain Significance.